The following is an entry in ClinVar:

NM_024537.4(CARS2):c.122C>A (p.Ala41Asp)

Genes: CARS2 (cysteinyl-tRNA synthetase 2, mitochondrial; minus strand), LOC130010127 (ATAC-STARR-seq lymphoblastoid silent region 5509; plus strand). Cytogenetic location: 13q34.
Variant type: single nucleotide variant.
Coding change: c.122C>A on transcript NM_024537.4 (MANE Select); coding-DNA position 122, C replaced by A.
Protein change: p.Ala41Asp; replaces alanine 41 with aspartic acid.
Molecular consequence: missense variant. On other transcripts: non-coding transcript variant (1), intron variant (1).
Genome position (GRCh38, 1-based): chr13:110,705,972, G>T on the plus strand (C>A on the coding strand, the complement: CARS2 is on the minus strand). VCF-style: chr13-110705972-G-T. GRCh37 (hg19) VCF-style: chr13-111358319-G-T.
Other names: c.122C>A, p.Ala41Asp (NM_001352253.3); c.-776+399C>A (NM_001352252.2); short protein forms A41D.
Identifiers: ClinVar variation 2102167 (VCV002102167.4), dbSNP rs371950209, ClinGen allele CA388743279.
Genomic context (GRCh38, chr13:110,705,972, plus strand): 5'-CTCCCGGTGAGGCTGTTGTACACCTGCACACCCGTCTCCCGGCCCGTGGGCTGCAGCCAG[G>T]CCCGCCCGCGCCCCCCGCTCGCCGCCCGGCCCGCAGGCCAGTGCCACCCAGCCCGCCCAA-3'
Protein context (NP_078813.1, residues 31-51): GRAASGGRGR[Ala41Asp]WLQPTGRETG

ClinVar aggregate classification (germline): Uncertain significance (1 of 4 stars; one submission).

Conditions:
Combined oxidative phosphorylation defect type 27. Also called: Combined oxidative phosphorylation deficiency 27. Identifiers: Orphanet 477774, MedGen C5567608, MONDO:0014728, OMIM 616672.

gnomAD v4.1: 1 of 1,515,726 alleles (0.000066%); highest among the groups gnomAD compares: Non-Finnish European, 0.000088%; no homozygotes.

Submission:

Labcorp Genetics (formerly Invitae), Labcorp
Classification: Uncertain significance for Combined oxidative phosphorylation defect type 27. Last evaluated: 2022-02-22. Review status: criteria provided, single submitter. Criteria: Invitae Variant Classification Sherloc (09022015). Collection method: clinical testing. Allele origin: germline.
Comment: In summary, the available evidence is currently insufficient to determine the role of this variant in disease. Therefore, it has been classified as a Variant of Uncertain Significance. Algorithms developed to predict the effect of missense changes on protein structure and function are either unavailable or do not agree on the potential impact of this missense change (SIFT: "Tolerated"; PolyPhen-2: "Possibly Damaging"; Align-GVGD: "Class C0"). This variant has not been reported in the literature in individuals affected with CARS2-related conditions. This variant is not present in population databases (gnomAD no frequency). This sequence change replaces alanine, which is neutral and non-polar, with aspartic acid, which is acidic and polar, at codon 41 of the CARS2 protein (p.Ala41Asp).